The following is an entry in ClinVar:

ClinVar aggregate classification (germline): Pathogenic (1 of 4 stars; one submission).

Conditions:
Retinoblastoma (RB1). Also called: RETINOBLASTOMA, SOMATIC. Identifiers: Orphanet 790, MedGen C0035335, MeSH D012175, MONDO:0008380, OMIM 180200, HP:0009919. Disease mechanism: loss of function. Inheritance: Both sporadic and heritable forms are tested..

Submission:

Genetic Diagnostic Laboratory, University of Pennsylvania School of Medicine
Classification: Pathogenic for Retinoblastoma. Last evaluated: 2024-05-20. Review status: criteria provided, single submitter. Criteria: ACMG Guidelines, 2015. Collection method: clinical testing. Allele origin: germline. Affected: yes. Observed: 1 variant allele.
Comment: Case and Pedigree Information: BILATERAL CASES:1, UNILATERAL CASES:0, TOTAL CASES:1, PEDIGREES:1. ACMG Codes Applied:PVS1, PM2

NM_000321.3(RB1):c.602del (p.Ala201fs)

Gene: RB1 (RB transcriptional corepressor 1; plus strand). Cytogenetic location: 13q14.2.
Variant type: Deletion.
Coding change: c.602del on transcript NM_000321.3 (MANE Select); coding-DNA position 602, one base deleted (C; older notation c.602delC).
Protein change: p.Ala201fs; shifts the reading frame from alanine 201.
Molecular consequence: frameshift variant.
Genome position (GRCh38, 1-based): chr13:48,349,018, C deleted. VCF-style (leftmost placement, unchanged base first): chr13-48349017-GC-G. GRCh37 (hg19) VCF-style: chr13-48923153-GC-G.
Other names: c.602del, p.Ala201fs (NM_001407165.1, NM_001407166.1); short protein forms A201fs.
Identifiers: ClinVar variation 3237138 (VCV003237138.1), dbSNP rs2542166052.
Genomic context (GRCh38, chr13:48,349,017, plus strand): 5'-ATATCTACTGAAATAAATTCTGCATTGGTGCTAAAAGTTTCTTGGATCACATTTTTATTA[GC>G]TAAAGGTAAGTTCATTATATTTATTAAATGCTAATATTTCAAATGTAATAATTAAATTGG-3'